The following is an entry in ClinVar:

NM_004758.4(TSPOAP1):c.5247G>A (p.Gln1749=)

Gene: TSPOAP1 (TSPO associated protein 1; minus strand). Cytogenetic location: 17q22.
Variant type: single nucleotide variant.
Coding change: c.5247G>A on transcript NM_004758.4 (MANE Select); coding-DNA position 5247, G replaced by A.
Protein change: p.Gln1749=; no amino-acid change (glutamine 1749 retained).
Molecular consequence: synonymous variant.
Genome position (GRCh38, 1-based): chr17:58,305,843, C>T on the plus strand (G>A on the coding strand, the complement: TSPOAP1 is on the minus strand). VCF-style: chr17-58305843-C-T. GRCh37 (hg19) VCF-style: chr17-56383204-C-T.
Other names: c.5220G>A, p.Gln1740= (NM_001261835.2); c.5067G>A, p.Gln1689= (NM_024418.3).
Identifiers: ClinVar variation 2647958 (VCV002647958.24), dbSNP rs148464443, ClinGen allele CA8671344.

ClinVar aggregate classification (germline): Likely benign (1 of 4 stars; one submission).

Allele frequency attached by ClinVar (database versions not stated): ESP Exome Variant Server 0.00008; 1000 Genomes Project 30x 0.00125; 1000 Genomes Project 0.00140.
gnomAD v4.1: 700 of 1,612,946 alleles (0.043%); highest among the groups gnomAD compares: South Asian, 0.59%; 8 homozygotes.

Submission:

CeGaT Center for Human Genetics Tuebingen
Classification: Likely benign. Last evaluated: 2022-09-01. Review status: criteria provided, single submitter. Criteria: CeGaT Center For Human Genetics Tuebingen Variant Classification Criteria Version 2. Collection method: clinical testing. Allele origin: germline. Affected: yes. Observed: 1 variant allele.
Comment: TSPOAP1: BP4, BP7